The following is an entry in ClinVar:

ClinVar aggregate classification (germline): Uncertain significance. Review status: criteria provided, multiple submitters, no conflicts (2 of 4 stars). 2 submissions from 2 submitters: Uncertain significance (2). Last evaluated 2026-01-18.

Conditions:
Hereditary cancer-predisposing syndrome. Also called: Neoplastic Syndromes, Hereditary; Hereditary neoplastic syndrome; Tumor predisposition; Hereditary Cancer Syndrome. Identifiers: Orphanet 140162, MedGen C0027672, MeSH D009386, MONDO:0015356.
Ataxia-telangiectasia syndrome (AT). Also called: Ataxia telangiectasia (A-T); Cerebello-oculocutaneous telangiectasia; Immunodeficiency with ataxia telangiectasia; Ataxia-telangiectasia, complementation group D; ATAXIA-TELANGIECTASIA, COMPLEMENTATION GROUP A; ATAXIA-TELANGIECTASIA, FRESNO VARIANT. Identifiers: Orphanet 100, MedGen C0004135, MONDO:0008840, OMIM 208900.

Submissions (2):

Ambry Genetics
Classification: Uncertain significance for Hereditary cancer-predisposing syndrome. Last evaluated: 2026-01-18. Review status: criteria provided, single submitter. Criteria: Ambry Variant Classification Scheme 2023. Collection method: clinical testing. Allele origin: germline.
Comment: The p.P1354Q variant (also known as c.4061C>A), located in coding exon 26 of the ATM gene, results from a C to A substitution at nucleotide position 4061. The proline at codon 1354 is replaced by glutamine, an amino acid with similar properties. This amino acid position is conserved. In addition, this alteration is predicted to be tolerated by in silico analysis. Based on the available evidence, the clinical significance of this variant remains unclear.

Labcorp Genetics (formerly Invitae), Labcorp
Classification: Uncertain significance for Ataxia-telangiectasia syndrome. Last evaluated: 2025-07-23. Review status: criteria provided, single submitter. Criteria: Invitae Variant Classification Sherloc (09022015). Collection method: clinical testing. Allele origin: germline.
Comment: This sequence change replaces proline, which is neutral and non-polar, with glutamine, which is neutral and polar, at codon 1354 of the ATM protein (p.Pro1354Gln). This variant is not present in population databases (gnomAD no frequency). This variant has not been reported in the literature in individuals affected with ATM-related conditions. ClinVar contains an entry for this variant (Variation ID: 577684). Invitae Evidence Modeling of protein sequence and biophysical properties (such as structural, functional, and spatial information, amino acid conservation, physicochemical variation, residue mobility, and thermodynamic stability) indicates that this missense variant is not expected to disrupt ATM protein function with a negative predictive value of 95%. In summary, the available evidence is currently insufficient to determine the role of this variant in disease. Therefore, it has been classified as a Variant of Uncertain Significance.

NM_000051.4(ATM):c.4061C>A (p.Pro1354Gln)

Gene: ATM (ATM serine/threonine kinase; plus strand). Cytogenetic location: 11q22.3.
Variant type: single nucleotide variant.
Coding change: c.4061C>A on transcript NM_000051.4 (MANE Select); coding-DNA position 4061, C replaced by A.
Protein change: p.Pro1354Gln; replaces proline 1354 with glutamine.
Molecular consequence: missense variant.
Genome position (GRCh38, 1-based): chr11:108,287,667, C>A. VCF-style: chr11-108287667-C-A. GRCh37 (hg19) VCF-style: chr11-108158394-C-A.
Other names: c.4061C>A, p.Pro1354Gln (NM_001351834.2); short protein forms P1354Q.
Identifiers: ClinVar variation 577684 (VCV000577684.9), dbSNP rs1565452743, ClinGen allele CA382528056.
Genomic context (GRCh38, chr11:108,287,667, plus strand): 5'-ACTTATTCATTAGTAATTTACCAGAGATTGTGGTGGAGTTATTGATGACGTTACATGAGC[C>A]AGCAAATTCTAGTGCCAGTCAGAGCACTGACCTCTGTGACTTTTCAGGGTATGTACATTT-3'
Protein context (NP_000042.3, residues 1344-1364): VVELLMTLHE[Pro1354Gln]ANSSASQSTD